The following is an entry in ClinVar:

ClinVar aggregate classification (germline): Uncertain significance (1 of 4 stars; one submission).

Allele frequency attached by ClinVar (database versions not stated): TOPMed below 0.00001; gnomAD exomes below 0.00001.
gnomAD v4.1: 2 of 1,604,918 alleles (0.00012%); highest among the groups gnomAD compares: Non-Finnish European, 0.00017%; no homozygotes.

Submission:

GeneDx
Classification: Uncertain significance. Last evaluated: 2023-06-05. Review status: criteria provided, single submitter. Criteria: GeneDx Variant Classification Process June 2021. Collection method: clinical testing. Allele origin: germline.
Comment: Not observed at significant frequency in large population cohorts (gnomAD); In silico analysis supports that this missense variant does not alter protein structure/function; Has not been previously published as pathogenic or benign to our knowledge

NM_014991.6(WDFY3):c.7768A>G (p.Ile2590Val)

Gene: WDFY3 (WD repeat and FYVE domain containing 3; minus strand). Cytogenetic location: 4q21.23.
Variant type: single nucleotide variant.
Coding change: c.7768A>G on transcript NM_014991.6 (MANE Select); coding-DNA position 7768, A replaced by G.
Protein change: p.Ile2590Val; replaces isoleucine 2590 with valine.
Molecular consequence: missense variant.
Genome position (GRCh38, 1-based): chr4:84,717,003, T>C on the plus strand (A>G on the coding strand, the complement: WDFY3 is on the minus strand). VCF-style: chr4-84717003-T-C. GRCh37 (hg19) VCF-style: chr4-85638156-T-C.
Other names: short protein forms I2590V.
Identifiers: ClinVar variation 2430591 (VCV002430591.2), dbSNP rs1734054216, ClinGen allele CA357542407.